The following is an entry in ClinVar:

ClinVar aggregate classification (germline): Uncertain significance (1 of 4 stars; one submission).

Allele frequency attached by ClinVar (database versions not stated): ExAC 0.00003; gnomAD exomes 0.00003; gnomAD 0.00007; ESP Exome Variant Server 0.00008; TOPMed 0.00008; 1000 Genomes Project 30x 0.00016.
gnomAD v4.1: 27 of 1,613,624 alleles (0.0017%); highest among the groups gnomAD compares: African/African-American, 0.019%; no homozygotes.

Submission:

Labcorp Genetics (formerly Invitae), Labcorp
Classification: Uncertain significance. Last evaluated: 2024-12-02. Review status: criteria provided, single submitter. Criteria: Invitae Variant Classification Sherloc (09022015). Collection method: clinical testing. Allele origin: germline.
Comment: This sequence change replaces arginine, which is basic and polar, with cysteine, which is neutral and slightly polar, at codon 265 of the ANKZF1 protein (p.Arg265Cys). This variant is present in population databases (rs373512501, gnomAD 0.02%). This variant has not been reported in the literature in individuals affected with ANKZF1-related conditions. ClinVar contains an entry for this variant (Variation ID: 1358096). An algorithm developed to predict the effect of missense changes on protein structure and function (PolyPhen-2) suggests that this variant is likely to be disruptive. In summary, the available evidence is currently insufficient to determine the role of this variant in disease. Therefore, it has been classified as a Variant of Uncertain Significance.

NM_018089.3(ANKZF1):c.793C>T (p.Arg265Cys)

Gene: ANKZF1 (ankyrin repeat and zinc finger peptidyl tRNA hydrolase 1; plus strand). Cytogenetic location: 2q35.
Variant type: single nucleotide variant.
Coding change: c.793C>T on transcript NM_018089.3 (MANE Select); coding-DNA position 793, C replaced by T.
Protein change: p.Arg265Cys; replaces arginine 265 with cysteine.
Molecular consequence: missense variant.
Genome position (GRCh38, 1-based): chr2:219,233,407, C>T. VCF-style: chr2-219233407-C-T. GRCh37 (hg19) VCF-style: chr2-220098129-C-T.
Other names: c.793C>T, p.Arg265Cys (NM_001042410.2); c.163C>T, p.Arg55Cys (NM_001282792.2); short protein forms R265C, R55C.
Identifiers: ClinVar variation 1358096 (VCV001358096.6), dbSNP rs373512501, ClinGen allele CA2120859.
Genomic context (GRCh38, chr2:219,233,407, plus strand): 5'-GCCCAGGGGCTTCGGGATGCCCGAGGTGGGCCATCACACTCTGCTGGAGCCAACCTGAGG[C>T]GCTACAATGAAGCCACACTATATAAGGTGAGTTAAGCCTTTTAGATCTGGTGGTACTGAT-3'
Protein context (NP_060559.2, residues 255-275): PSHSAGANLR[Arg265Cys]YNEATLYKDV